The following is an entry in ClinVar:

ClinVar aggregate classification (germline): Pathogenic (1 of 4 stars; one submission).

Submission:

Labcorp Genetics (formerly Invitae), Labcorp
Classification: Pathogenic. Last evaluated: 2025-03-17. Review status: criteria provided, single submitter. Criteria: Invitae Variant Classification Sherloc (09022015). Collection method: clinical testing. Allele origin: germline.
Comment: This sequence change creates a premature translational stop signal (p.Ser63Cysfs*12) in the ABCA4 gene. It is expected to result in an absent or disrupted protein product. Loss-of-function variants in ABCA4 are known to be pathogenic (PMID: 10958761, 24938718, 25312043, 26780318). This variant is not present in population databases (gnomAD no frequency). This variant has not been reported in the literature in individuals affected with ABCA4-related conditions. For these reasons, this variant has been classified as Pathogenic.

Literature cited by the submitters: PubMed 10958761; PubMed 24938718; PubMed 25312043; PubMed 26780318.

NM_000350.3(ABCA4):c.188_197del (p.Ser63fs)

Gene: ABCA4 (ATP binding cassette subfamily A member 4; minus strand). Cytogenetic location: 1p22.1.
Variant type: Deletion.
Coding change: c.188_197del on transcript NM_000350.3 (MANE Select); coding-DNA positions 188 to 197, 10 bases deleted (CAGCAGGAAT; older notation c.188_197delCAGCAGGAAT).
Protein change: p.Ser63fs; shifts the reading frame from serine 63.
Molecular consequence: frameshift variant.
Genome position (GRCh38, 1-based): chr1:94,111,543-94,111,552, ATTCCTGCTG deleted on the plus strand (CAGCAGGAAT on the coding strand, the reverse complement: ABCA4 is on the minus strand); deleting any 10 consecutive bases within chr1:94,111,543-94,111,553 gives the same sequence; the c. name uses the placement nearest the transcript's 3' end. VCF-style (leftmost placement, unchanged base first): chr1-94111542-CATTCCTGCTG-C. GRCh37 (hg19) VCF-style: chr1-94577098-CATTCCTGCTG-C.
Other names: c.188_197del, p.Ser63fs (NM_001425324.1); short protein forms S63fs.
Identifiers: ClinVar variation 3698577 (VCV003698577.2).